The following is an entry in ClinVar:

ClinVar aggregate classification (germline): Likely benign. Review status: criteria provided, multiple submitters, no conflicts (2 of 4 stars). 2 submissions from 2 submitters: Likely benign (2). Last evaluated 2026-05-01.

Conditions:
Schuurs-Hoeijmakers syndrome. Also called: PACS1-Related Neurodevelopmental Disorder. Identifiers: Orphanet 329224, MedGen C3554343, MONDO:0014006, OMIM 615009.

Allele frequency attached by ClinVar (database versions not stated): gnomAD exomes below 0.00001.
gnomAD v4.1: 2 of 1,614,186 alleles (0.00012%); highest among the groups gnomAD compares: Admixed American, 0.0033%; no homozygotes.

Submissions (2):

CeGaT Center for Human Genetics Tuebingen
Classification: Likely benign. Last evaluated: 2026-05-01. Review status: criteria provided, single submitter. Criteria: CeGaT Center For Human Genetics Tuebingen Variant Classification Criteria Version 2. Collection method: clinical testing. Allele origin: germline. Affected: yes. Observed: 1 variant allele.
Comment: PACS1: BP4, BP7

Labcorp Genetics (formerly Invitae), Labcorp
Classification: Likely benign for Schuurs-Hoeijmakers syndrome. Last evaluated: 2024-10-24. Review status: criteria provided, single submitter. Criteria: Invitae Variant Classification Sherloc (09022015). Collection method: clinical testing. Allele origin: germline.

NM_018026.4(PACS1):c.1050G>A (p.Gly350=)

Gene: PACS1 (phosphofurin acidic cluster sorting protein 1; plus strand). Cytogenetic location: 11q13.2.
Variant type: single nucleotide variant.
Coding change: c.1050G>A on transcript NM_018026.4 (MANE Select); coding-DNA position 1050, G replaced by A.
Protein change: p.Gly350=; no amino-acid change (glycine 350 retained).
Molecular consequence: synonymous variant.
Genome position (GRCh38, 1-based): chr11:66,220,642, G>A. VCF-style: chr11-66220642-G-A. GRCh37 (hg19) VCF-style: chr11-65988113-G-A.
Identifiers: ClinVar variation 2182358 (VCV002182358.6), dbSNP rs2495560874, ClinGen allele CA475307517.